The following is an entry in ClinVar:

NM_024105.4(ALG12):c.85C>T (p.Pro29Ser)

Gene: ALG12 (ALG12 alpha-1,6-mannosyltransferase; minus strand). Cytogenetic location: 22q13.33.
Variant type: single nucleotide variant.
Coding change: c.85C>T on transcript NM_024105.4 (MANE Select); coding-DNA position 85, C replaced by T.
Protein change: p.Pro29Ser; replaces proline 29 with serine.
Molecular consequence: missense variant.
Genome position (GRCh38, 1-based): chr22:49,913,681, G>A on the plus strand (C>T on the coding strand, the complement: ALG12 is on the minus strand). VCF-style: chr22-49913681-G-A. GRCh37 (hg19) VCF-style: chr22-50307329-G-A.
Other names: short protein forms P29S.
Identifiers: ClinVar variation 3004356 (VCV003004356.3), dbSNP rs1338750099, ClinGen allele CA412081341.

ClinVar aggregate classification (germline): Uncertain significance (1 of 4 stars; one submission).

Conditions:
ALG12-congenital disorder of glycosylation (CDG1G). Also called: Congenital disorder of glycosylation, type Ig; ALG12-CDG; CDG Ig. Identifiers: Orphanet 79324, MedGen C2931001, MONDO:0011783, OMIM 607143.

Allele frequency attached by ClinVar (database versions not stated): gnomAD exomes below 0.00001.

Submission:

Labcorp Genetics (formerly Invitae), Labcorp
Classification: Uncertain significance for ALG12-congenital disorder of glycosylation. Last evaluated: 2025-06-03. Review status: criteria provided, single submitter. Criteria: Invitae Variant Classification Sherloc (09022015). Collection method: clinical testing. Allele origin: germline.
Comment: This sequence change replaces proline, which is neutral and non-polar, with serine, which is neutral and polar, at codon 29 of the ALG12 protein (p.Pro29Ser). This variant is not present in population databases (gnomAD no frequency). This variant has not been reported in the literature in individuals affected with ALG12-related conditions. ClinVar contains an entry for this variant (Variation ID: 3004356). Invitae Evidence Modeling of protein sequence and biophysical properties (such as structural, functional, and spatial information, amino acid conservation, physicochemical variation, residue mobility, and thermodynamic stability) has been performed for this missense variant. However, the output from this modeling did not meet the statistical confidence thresholds required to predict the impact of this variant on ALG12 protein function. In summary, the available evidence is currently insufficient to determine the role of this variant in disease. Therefore, it has been classified as a Variant of Uncertain Significance.